The following is an entry in ClinVar:

NM_002691.4(POLD1):c.765G>A (p.Met255Ile)

Gene: POLD1 (DNA polymerase delta 1, catalytic subunit; plus strand). Cytogenetic location: 19q13.33.
Variant type: single nucleotide variant.
Coding change: c.765G>A on transcript NM_002691.4 (MANE Select); coding-DNA position 765, G replaced by A.
Protein change: p.Met255Ile; replaces methionine 255 with isoleucine.
Molecular consequence: missense variant. On other transcripts: non-coding transcript variant (1).
Genome position (GRCh38, 1-based): chr19:50,402,460, G>A. VCF-style: chr19-50402460-G-A. GRCh37 (hg19) VCF-style: chr19-50905717-G-A.
Other names: c.765G>A, p.Met255Ile (NM_001256849.1, NM_001308632.1); short protein forms M255I.
Identifiers: ClinVar variation 1363328 (VCV001363328.8), dbSNP rs1477983424, ClinGen allele CA406974784.

ClinVar aggregate classification (germline): Uncertain significance (1 of 4 stars; one submission).

Conditions:
POLD1-related polyposis and colorectal cancer syndrome (CRCS10). Also called: Colorectal cancer, susceptibility to, 10; Colorectal cancer 10; COLORECTAL CANCER, SUSCEPTIBILITY TO, ON CHROMOSOME 19q. Identifiers: Orphanet 220460, MedGen C2675481, MONDO:0012953, OMIM 612591.

Submission:

Labcorp Genetics (formerly Invitae), Labcorp
Classification: Uncertain significance for POLD1-related polyposis and colorectal cancer syndrome. Last evaluated: 2024-10-21. Review status: criteria provided, single submitter. Criteria: Invitae Variant Classification Sherloc (09022015). Collection method: clinical testing. Allele origin: germline.
Comment: This sequence change replaces methionine, which is neutral and non-polar, with isoleucine, which is neutral and non-polar, at codon 255 of the POLD1 protein (p.Met255Ile). This variant is not present in population databases (gnomAD no frequency). This variant has not been reported in the literature in individuals affected with POLD1-related conditions. ClinVar contains an entry for this variant (Variation ID: 1363328). Invitae Evidence Modeling of protein sequence and biophysical properties (such as structural, functional, and spatial information, amino acid conservation, physicochemical variation, residue mobility, and thermodynamic stability) has been performed for this missense variant. However, the output from this modeling did not meet the statistical confidence thresholds required to predict the impact of this variant on POLD1 protein function. In summary, the available evidence is currently insufficient to determine the role of this variant in disease. Therefore, it has been classified as a Variant of Uncertain Significance.